The following is an entry in ClinVar:

NM_007373.4(SHOC2):c.657G>A (p.Met219Ile)

Gene: SHOC2 (SHOC2 leucine rich repeat scaffold protein; plus strand). Cytogenetic location: 10q25.2.
Variant type: single nucleotide variant.
Coding change: c.657G>A on transcript NM_007373.4 (MANE Select); coding-DNA position 657, G replaced by A.
Protein change: p.Met219Ile; replaces methionine 219 with isoleucine.
Molecular consequence: missense variant. On other transcripts: non-coding transcript variant (1), intron variant (3), 5 prime UTR variant (1).
Genome position (GRCh38, 1-based): chr10:110,965,015, G>A. VCF-style: chr10-110965015-G-A. GRCh37 (hg19) VCF-style: chr10-112724773-G-A.
Other names: c.-380-20613G>A (NM_001441190.1); c.-249-20613G>A (NM_001441191.1); c.-242-35400G>A (NM_001441189.1); c.657G>A, p.Met219Ile (NM_001269039.3, NM_001324336.2, NM_001324337.2 and 4 more transcripts); c.-130G>A (NM_001441188.1); short protein forms M219I.
Identifiers: ClinVar variation 4864499 (VCV004864499.1).

ClinVar aggregate classification (germline): Uncertain significance (1 of 4 stars; one submission).

Conditions:
Cardiovascular phenotype. Identifiers: MedGen CN230736.

Submission:

Ambry Genetics
Classification: Uncertain significance for Cardiovascular phenotype. Last evaluated: 2026-04-14. Review status: criteria provided, single submitter. Criteria: Ambry Variant Classification Scheme 2023. Collection method: clinical testing. Allele origin: germline.
Comment: The p.M219I variant (also known as c.657G>A), located in coding exon 1 of the SHOC2 gene, results from a G to A substitution at nucleotide position 657. The methionine at codon 219 is replaced by isoleucine, an amino acid with highly similar properties. This amino acid position is conserved. In addition, the in silico prediction for this alteration is inconclusive. Based on the available evidence, the clinical significance of this variant remains unclear.